The following is an entry in ClinVar:

NM_001042492.3(NF1):c.730+2T>C

Gene: NF1 (neurofibromin 1; plus strand). Cytogenetic location: 17q11.2.
Variant type: single nucleotide variant.
Coding change: c.730+2T>C on transcript NM_001042492.3 (MANE Select); the canonical splice donor site of the intron after coding-DNA position 730, T replaced by C.
Molecular consequence: splice donor variant.
Genome position (GRCh38, 1-based): chr17:31,181,787, T>C. VCF-style: chr17-31181787-T-C. GRCh37 (hg19) VCF-style: chr17-29508805-T-C.
Other names: c.730+2T>C (NM_000267.4, NM_001128147.3).
Identifiers: ClinVar variation 1801696 (VCV001801696.2), dbSNP rs200962248, ClinGen allele CA398990273.

ClinVar aggregate classification (germline): Likely pathogenic. Review status: criteria provided, multiple submitters, no conflicts (2 of 4 stars). 2 submissions from 2 submitters: Likely pathogenic (2). Last evaluated 2025-10-20.

Conditions:
Neurofibromatosis, type 1 (NF1). Also called: NEUROFIBROMATOSIS, TYPE I, SOMATIC; VON RECKLINGHAUSEN DISEASE; Peripheral type neurofibromatosis; Neurofibromatosis, type I. Identifiers: Orphanet 636, MedGen C0027831, MONDO:0018975, OMIM 162200. Disease mechanism: loss of function.

Submissions (2):

Clinical Genomics Laboratory, Washington University in St. Louis
Classification: Likely pathogenic for Neurofibromatosis, type 1. Last evaluated: 2025-10-20. Review status: criteria provided, single submitter. Criteria: ACMG Guidelines, 2015. Collection method: clinical testing. Allele origin: germline. Affected: yes.
Comment: An NF1 c.730+2T>C variant was identified at a heterozygous allelic fraction of 49.8%, a frequency which may be consistent with it being of germline origin. This variant, to our knowledge, has not been reported in the medical literature but has been reported in the ClinVar database as a germline likely pathogenic variant in Neurofibromatosis, type 1 by one submitter (Variation ID: 1801696). This variant occurs within the canonical splice donor site, which is predicted to cause skipping of the exon, leading to an out of frame transcript. This variant is absent from the general population (gnomAD v4.1.0), indicating it is not a common variant. Based on available information and the ACMG/AMP guidelines for variant interpretation (Richards S et al., PMID: 25741868), this variant is classified as likely pathogenic.

Human Genetics Bochum, Ruhr University Bochum
Classification: Likely pathogenic for Neurofibromatosis, type 1. Last evaluated: 2022-04-05. Review status: criteria provided, single submitter. Criteria: ACMG Guidelines, 2015. Collection method: clinical testing. Allele origin: germline. Affected: yes.
Comment: ACMG criteria used to clasify this variant: PVS1, PM2